The following is an entry in ClinVar:

NM_000018.4(ACADVL):c.62+5G>A

Gene: ACADVL (acyl-CoA dehydrogenase very long chain; plus strand). Cytogenetic location: 17p13.1.
Variant type: single nucleotide variant.
Coding change: c.62+5G>A on transcript NM_000018.4 (MANE Select); 5 bases into the intron after coding-DNA position 62, G replaced by A.
Molecular consequence: intron variant. On other transcripts: 5 prime UTR variant (1).
Genome position (GRCh38, 1-based): chr17:7,220,051, G>A. VCF-style: chr17-7220051-G-A. GRCh37 (hg19) VCF-style: chr17-7123370-G-A.
Other names: c.-237G>A (NM_001270448.2); c.132-71G>A (NM_001270447.2); c.62+5G>A (NM_001033859.3).
Identifiers: ClinVar variation 991125 (VCV000991125.2), dbSNP rs1299140180, ClinGen allele CA624693568.

ClinVar aggregate classification (germline): Uncertain significance. Review status: criteria provided, single submitter (1 of 4 stars). 2 submissions from 2 submitters: Uncertain significance (1). 1 of the submissions does not count toward it. Last evaluated 2025-02-10.

Conditions:
Very long chain acyl-CoA dehydrogenase deficiency (ACADVLD). Also called: Very Long-Chain Acyl-Coenzyme A Dehydrogenase Deficiency; VLCAD Deficiency. Identifiers: Orphanet 26793, MedGen C3887523, MONDO:0008723, OMIM 201475.

Allele frequency attached by ClinVar (database versions not stated): TOPMed below 0.00001; gnomAD exomes 0.00001.
gnomAD v4.1: 4 of 1,602,858 alleles (0.00025%); highest among the groups gnomAD compares: Admixed American, 0.005%; no homozygotes.

Submissions (2):

Labcorp Genetics (formerly Invitae), Labcorp
Classification: Uncertain significance for Very long chain acyl-CoA dehydrogenase deficiency. Last evaluated: 2025-02-10. Review status: criteria provided, single submitter. Criteria: Invitae Variant Classification Sherloc (09022015). Collection method: clinical testing. Allele origin: germline.
Comment: This sequence change falls in intron 1 of the ACADVL gene. It does not directly change the encoded amino acid sequence of the ACADVL protein. It affects a nucleotide within the consensus splice site. This variant is present in population databases (no rsID available, gnomAD 0.006%). This variant has not been reported in the literature in individuals affected with ACADVL-related conditions. ClinVar contains an entry for this variant (Variation ID: 991125). Variants that disrupt the consensus splice site are a relatively common cause of aberrant splicing (PMID: 17576681, 9536098). Algorithms developed to predict the effect of sequence changes on RNA splicing suggest that this variant may disrupt the consensus splice site. In summary, the available evidence is currently insufficient to determine the role of this variant in disease. Therefore, it has been classified as a Variant of Uncertain Significance.

Natera, Inc.
Classification: Uncertain significance for Very long chain acyl-CoA dehydrogenase deficiency. Last evaluated: 2020-08-13. Review status: no assertion criteria provided. Collection method: clinical testing. Allele origin: germline. Not counted in ClinVar's aggregate classification.

Literature cited by the submitters: PubMed 17576681 (cited by Labcorp Genetics (formerly Invitae), Labcorp); PubMed 9536098 (cited by Labcorp Genetics (formerly Invitae), Labcorp).